The following is an entry in ClinVar:

ClinVar aggregate classification (germline): Uncertain significance (1 of 4 stars; one submission).

Conditions:
Hereditary cancer-predisposing syndrome. Also called: Neoplastic Syndromes, Hereditary; Tumor predisposition; Hereditary Cancer Syndrome; Hereditary neoplastic syndrome. Identifiers: Orphanet 140162, MedGen C0027672, MeSH D009386, MONDO:0015356.

Allele frequency attached by ClinVar (database versions not stated): ExAC 0.00001.

Submission:

Ambry Genetics
Classification: Uncertain significance for Hereditary cancer-predisposing syndrome. Last evaluated: 2021-08-14. Review status: criteria provided, single submitter. Criteria: Ambry Variant Classification Scheme 2023. Collection method: clinical testing. Allele origin: germline.
Comment: The p.F298L variant (also known as c.894C>G), located in coding exon 8 of the FANCC gene, results from a C to G substitution at nucleotide position 894. The phenylalanine at codon 298 is replaced by leucine, an amino acid with highly similar properties. This amino acid position is conserved. In addition, this alteration is predicted to be tolerated by in silico analysis. Since supporting evidence is limited at this time, the clinical significance of this alteration remains unclear.

NM_000136.3(FANCC):c.894C>G (p.Phe298Leu)

Genes: AOPEP (aminopeptidase O (putative); plus strand), FANCC (FA complementation group C; minus strand). Cytogenetic location: 9q22.32.
Variant type: single nucleotide variant.
Coding change: c.894C>G on transcript NM_000136.3 (MANE Select); coding-DNA position 894, C replaced by G.
Protein change: p.Phe298Leu; replaces phenylalanine 298 with leucine.
Molecular consequence: missense variant.
Genome position (GRCh38, 1-based): chr9:95,126,531, G>C on the plus strand (C>G on the coding strand, the complement: FANCC is on the minus strand). VCF-style: chr9-95126531-G-C. GRCh37 (hg19) VCF-style: chr9-97888813-G-C.
Other names: c.894C>G, p.Phe298Leu (NM_001243743.2, NM_001243744.2); short protein forms F298L.
Identifiers: ClinVar variation 1765212 (VCV001765212.2), dbSNP rs757598256, ClinGen allele CA5137606.
Genomic context (GRCh38, chr9:95,126,531, plus strand): 5'-TGCTTGGAAATGGAACCTTTTTTACATCAATTACTAGAAGAAACAGTGTAACGTTTACCT[G>C]AACATCTCATCAACAACCCGGAATATGGCAGGGTGGCAGGCTGCTTGAGGCTGTAAAAGG-3'
Protein context (NP_000127.2, residues 288-308): PAIFRVVDEM[Phe298Leu]RCALLETDGA